The following is an entry in ClinVar:

NM_000543.5(SMPD1):c.175del (p.Ala59fs)

Gene: SMPD1 (sphingomyelin phosphodiesterase 1; plus strand). Cytogenetic location: 11p15.4.
Variant type: Deletion.
Coding change: c.175del on transcript NM_000543.5 (MANE Select); coding-DNA position 175, one base deleted (G; older notation c.175delG).
Protein change: p.Ala59fs; shifts the reading frame from alanine 59.
Molecular consequence: frameshift variant. On other transcripts: 5 prime UTR variant (1), non-coding transcript variant (2).
Genome position (GRCh38, 1-based): chr11:6,390,773, G deleted; the last of 2 consecutive G bases (chr11:6,390,772-6,390,773); deleting either gives the same sequence. VCF-style (leftmost placement, unchanged base first): chr11-6390771-CG-C. GRCh37 (hg19) VCF-style: chr11-6412001-CG-C.
Other names: c.175del, p.Ala59fs (NM_001007593.3, NM_001318087.2, NM_001365135.2); c.-787del (NM_001318088.2); c.175delG (NM_000543.4); short protein forms A59fs.
Identifiers: ClinVar variation 1073151 (VCV001073151.9), dbSNP rs2134006179, ClinGen allele CA2499221114.

ClinVar aggregate classification (germline): Pathogenic/Likely pathogenic. Review status: criteria provided, multiple submitters, no conflicts (2 of 4 stars). 3 submissions from 3 submitters: Pathogenic (1); Likely pathogenic (2). Last evaluated 2026-01-19.

Conditions:
Niemann-Pick disease, type A. Also called: SPHINGOMYELIN LIPIDOSIS; SPHINGOMYELINASE DEFICIENCY; Infantile Neurovisceral ASMD (Niemann-Pick Disease Type A; NPD-A). Identifiers: Orphanet 77292, MedGen C0268242, MONDO:0009756, OMIM 257200. Disease mechanism: loss of function.
Niemann-Pick disease, type B. Also called: Chronic Visceral ASMD (Niemann-Pick Disease Type B; NPD-B). Identifiers: Orphanet 77293, MedGen C0268243, MONDO:0011871, OMIM 607616. Disease mechanism: loss of function.

Submissions (3):

Labcorp Genetics (formerly Invitae), Labcorp
Classification: Pathogenic for Niemann-Pick disease, type B; Niemann-Pick disease, type A. Last evaluated: 2026-01-19. Review status: criteria provided, single submitter. Criteria: Invitae Variant Classification Sherloc (09022015). Collection method: clinical testing. Allele origin: germline.
Comment: This sequence change creates a premature translational stop signal (p.Ala59Glnfs*18) in the SMPD1 gene. It is expected to result in an absent or disrupted protein product. Loss-of-function variants in SMPD1 are known to be pathogenic (PMID: 12369017, 15221801). This variant is not present in population databases (gnomAD no frequency). This variant has not been reported in the literature in individuals affected with SMPD1-related conditions. ClinVar contains an entry for this variant (Variation ID: 1073151). For these reasons, this variant has been classified as Pathogenic.

Natera, Inc.
Classification: Likely pathogenic for Niemann-Pick Disease, Types A/B. Last evaluated: 2024-05-13. Review status: criteria provided, single submitter. Criteria: Natera Variant Classification Schema (03/2026). Collection method: clinical testing. Allele origin: germline.
Comment: The c.175delG variant in SMPD1 is a frameshift variant predicted to shift the reading frame beginning at codon 59 and leads to a stop codon 18 codons downstream. This variant is expected to result in nonsense mediated decay, truncation, or a dysfunctional protein product. This variant is rare in the general population with a frequency below the threshold expected for the associated phenotype(s). Given the available evidence, this variant is classified as Likely Pathogenic.

Baylor Genetics
Classification: Likely pathogenic for Niemann-Pick disease, type A. Last evaluated: 2023-06-06. Review status: criteria provided, single submitter. Criteria: ACMG Guidelines, 2015. Collection method: clinical testing. Allele origin: unknown.

Literature cited by the submitters: PubMed 12369017 (cited by Labcorp Genetics (formerly Invitae), Labcorp); PubMed 15221801 (cited by Labcorp Genetics (formerly Invitae), Labcorp).